The following is an entry in ClinVar:

NM_145290.4(ADGRA3):c.1547A>G (p.Gln516Arg)

Gene: ADGRA3 (adhesion G protein-coupled receptor A3; minus strand). Cytogenetic location: 4p15.2.
Variant type: single nucleotide variant.
Coding change: c.1547A>G on transcript NM_145290.4 (MANE Select); coding-DNA position 1547, A replaced by G.
Protein change: p.Gln516Arg; replaces glutamine 516 with arginine.
Molecular consequence: missense variant.
Genome position (GRCh38, 1-based): chr4:22,424,249, T>C on the plus strand (A>G on the coding strand, the complement: ADGRA3 is on the minus strand). VCF-style: chr4-22424249-T-C. GRCh37 (hg19) VCF-style: chr4-22425872-T-C.
Other names: short protein forms Q516R.
Identifiers: ClinVar variation 1971365 (VCV001971365.5), dbSNP rs1365267631, ClinGen allele CA356481425.
Genomic context (GRCh38, chr4:22,424,249, plus strand): 5'-ACTGTTGAATAAACGTGAGCTCCACCGGCTAGCCGGTAGGTAGCAATGCGCTGAAGACAC[T>C]GCACAATCCTACTGCAGGCTTTAGCTTCCCTCTGCGCCAGCCACAGGACACGTTCATCAG-3'
Protein context (NP_660333.2, residues 506-526): REAKACSRIV[Gln516Arg]CLQRIATYRL

ClinVar aggregate classification (germline): Uncertain significance (1 of 4 stars; one submission).

Allele frequency attached by ClinVar (database versions not stated): gnomAD exomes below 0.00001.
gnomAD v4.1: 1 of 1,613,582 alleles (0.000062%); highest among the groups gnomAD compares: Non-Finnish European, 0.000085%; no homozygotes.

Submission:

Labcorp Genetics (formerly Invitae), Labcorp
Classification: Uncertain significance. Last evaluated: 2025-03-30. Review status: criteria provided, single submitter. Criteria: Invitae Variant Classification Sherloc (09022015). Collection method: clinical testing. Allele origin: germline.
Comment: This sequence change replaces glutamine, which is neutral and polar, with arginine, which is basic and polar, at codon 516 of the ADGRA3 protein (p.Gln516Arg). This variant is not present in population databases (gnomAD no frequency). This variant has not been reported in the literature in individuals affected with ADGRA3-related conditions. ClinVar contains an entry for this variant (Variation ID: 1971365). An algorithm developed to predict the effect of missense changes on protein structure and function outputs the following: PolyPhen-2: "Benign". The arginine amino acid residue is found in multiple mammalian species, which suggests that this missense change does not adversely affect protein function. In summary, the available evidence is currently insufficient to determine the role of this variant in disease. Therefore, it has been classified as a Variant of Uncertain Significance.